The following is an entry in ClinVar:

ClinVar aggregate classification (germline): Uncertain significance (1 of 4 stars; one submission).

gnomAD v4.1: 3 of 1,614,032 alleles (0.00019%); highest among the groups gnomAD compares: African/African-American, 0.004%; no homozygotes.

Submission:

CeGaT Center for Human Genetics Tuebingen
Classification: Uncertain significance. Last evaluated: 2026-01-01. Review status: criteria provided, single submitter. Criteria: CeGaT Center For Human Genetics Tuebingen Variant Classification Criteria Version 2. Collection method: clinical testing. Allele origin: germline. Affected: yes. Observed: 1 variant allele.
Comment: FAT2: PP2, BP4

NM_001447.3(FAT2):c.1172C>A (p.Pro391His)

Gene: FAT2 (FAT atypical cadherin 2; minus strand). Cytogenetic location: 5q33.1.
Variant type: single nucleotide variant.
Coding change: c.1172C>A on transcript NM_001447.3 (MANE Select); coding-DNA position 1172, C replaced by A.
Protein change: p.Pro391His; replaces proline 391 with histidine.
Molecular consequence: missense variant.
Genome position (GRCh38, 1-based): chr5:151,567,760, G>T on the plus strand (C>A on the coding strand, the complement: FAT2 is on the minus strand). VCF-style: chr5-151567760-G-T. GRCh37 (hg19) VCF-style: chr5-150947321-G-T.
Other names: short protein forms P391H.
Identifiers: ClinVar variation 4823090 (VCV004823090.4).